The following is an entry in ClinVar:

NM_001563.4(IMPG1):c.1520G>A (p.Arg507Gln)

Gene: IMPG1 (interphotoreceptor matrix proteoglycan 1; minus strand). Cytogenetic location: 6q14.1.
Variant type: single nucleotide variant.
Coding change: c.1520G>A on transcript NM_001563.4 (MANE Select); coding-DNA position 1520, G replaced by A.
Protein change: p.Arg507Gln; replaces arginine 507 with glutamine.
Molecular consequence: missense variant.
Genome position (GRCh38, 1-based): chr6:75,950,866, C>T on the plus strand (G>A on the coding strand, the complement: IMPG1 is on the minus strand). VCF-style: chr6-75950866-C-T. GRCh37 (hg19) VCF-style: chr6-76660583-C-T.
Other names: c.1286G>A, p.Arg429Gln (NM_001282368.2); c.1520G>A (NM_001563.2, NM_001563.3); short protein forms R507Q, R429Q.
Identifiers: ClinVar variation 1910043 (VCV001910043.9), dbSNP rs764171223, ClinGen allele CA3898103.

ClinVar aggregate classification (germline): Conflicting classifications of pathogenicity. Review status: criteria provided, conflicting classifications (1 of 4 stars). 5 submissions from 5 submitters: Uncertain significance (3); Benign (1); Likely benign (1). Last evaluated 2026-05-29.

Conditions:
IMPG1-related disorder. Also called: IMPG1-related condition.
Retinal dystrophy. Also called: Inherited retinal dystrophy. Identifiers: Orphanet 71862, MedGen C0854723, MeSH D058499, MONDO:0019118, HP:0000556.

Allele frequency attached by ClinVar (database versions not stated): gnomAD 0.00002; TOPMed 0.00004; ExAC 0.00007.
gnomAD v4.1: 33 of 1,613,722 alleles (0.002%); highest among the groups gnomAD compares: East Asian, 0.036%; 1 homozygote.

Submissions (5):

PreventionGenetics, part of Exact Sciences
Classification: Uncertain significance for IMPG1-related condition. Last evaluated: 2026-05-29. Review status: criteria provided, single submitter. Criteria: ACMG Guidelines, 2015. Collection method: clinical testing. Allele origin: germline.
Comment: The IMPG1 c.1520G>A variant is predicted to result in the amino acid substitution p.Arg507Gln. To our knowledge, this variant has not been reported in the literature. This variant is reported in 0.050% of alleles in individuals of East Asian descent in gnomAD, which may be too frequent to be a primary cause of disease. Although we suspect that this variant may be benign, at this time, the clinical significance of this variant is uncertain due to the absence of conclusive functional and genetic evidence.

Ambry Genetics
Classification: Uncertain significance. Last evaluated: 2024-01-29. Review status: criteria provided, single submitter. Criteria: Ambry Variant Classification Scheme 2023. Collection method: clinical testing. Allele origin: germline.

Labcorp Genetics (formerly Invitae), Labcorp
Classification: Uncertain significance. Last evaluated: 2023-12-25. Review status: criteria provided, single submitter. Criteria: Invitae Variant Classification Sherloc (09022015). Collection method: clinical testing. Allele origin: germline.
Comment: This sequence change replaces arginine, which is basic and polar, with glutamine, which is neutral and polar, at codon 507 of the IMPG1 protein (p.Arg507Gln). This variant is present in population databases (rs764171223, gnomAD 0.05%). This variant has not been reported in the literature in individuals affected with IMPG1-related conditions. ClinVar contains an entry for this variant (Variation ID: 1910043). An algorithm developed to predict the effect of missense changes on protein structure and function (PolyPhen-2) suggests that this variant is likely to be tolerated. In summary, the available evidence is currently insufficient to determine the role of this variant in disease. Therefore, it has been classified as a Variant of Uncertain Significance.

Blueprint Genetics
Classification: Likely benign. Last evaluated: 2023-10-09. Review status: criteria provided, single submitter. Criteria: ACMG Guidelines, 2015. Collection method: clinical testing. Allele origin: germline.

Dept Of Ophthalmology, Nagoya University
Classification: Benign for Retinal dystrophy. Last evaluated: 2023-10-01. Review status: criteria provided, single submitter. Criteria: Submitter's publication. Collection method: research. Allele origin: germline. Affected: yes.